The following is an entry in ClinVar:

NM_000521.4(HEXB):c.1508+1G>A

Gene: HEXB (hexosaminidase subunit beta; plus strand). Cytogenetic location: 5q13.3.
Variant type: single nucleotide variant.
Coding change: c.1508+1G>A on transcript NM_000521.4 (MANE Select); the canonical splice donor site of the intron after coding-DNA position 1508, G replaced by A.
Molecular consequence: splice donor variant.
Genome position (GRCh38, 1-based): chr5:74,720,519, G>A. VCF-style: chr5-74720519-G-A. GRCh37 (hg19) VCF-style: chr5-74016344-G-A.
Other names: c.833+1G>A (NM_001292004.2).
Identifiers: ClinVar variation 1495048 (VCV001495048.9), dbSNP rs758459585, ClinGen allele CA3306164.

ClinVar aggregate classification (germline): Likely pathogenic. Review status: criteria provided, multiple submitters, no conflicts (2 of 4 stars). 2 submissions from 2 submitters: Likely pathogenic (2). Last evaluated 2022-12-23.

Conditions:
Sandhoff disease. Also called: Beta-hexosaminidase-beta-subunit deficiency; GM2 gangliosidosis, type 2; Total hexosaminidase deficiency; Sandhoff-Jatzkewitz-Pilz disease; GM2-GANGLIOSIDOSIS, TYPE II; HEXOSAMINIDASES A AND B DEFICIENCY. Identifiers: Orphanet 796, MedGen C0036161, MONDO:0010006, OMIM 268800.

Allele frequency attached by ClinVar (database versions not stated): gnomAD exomes below 0.00001 and 0.00001; ExAC 0.00002.
gnomAD v4.1: 2 of 1,607,928 alleles (0.00012%); highest among the groups gnomAD compares: Non-Finnish European, 0.00017%; no homozygotes.

Submissions (2):

Women's Health and Genetics/Laboratory Corporation of America, LabCorp
Classification: Likely pathogenic for Sandhoff disease. Last evaluated: 2022-12-23. Review status: criteria provided, single submitter. Criteria: LabCorp Variant Classification Summary - May 2015. Collection method: clinical testing. Allele origin: germline.
Comment: Variant summary: HEXB c.1508+1G>A is located in a canonical splice-site and is predicted to affect mRNA splicing resulting in a significantly altered protein due to either exon skipping, shortening, or inclusion of intronic material. Several computational tools predict a significant impact on normal splicing: three predict the variant weakens a 5' donor site. However, these predictions have yet to be confirmed by functional studies. The variant allele was found at a frequency of 8e-06 in 251356 control chromosomes (gnomAD). The available data on variant occurrences in the general population are insufficient to allow any conclusion about variant significance. To our knowledge, no occurrence of c.1508+1G>A in individuals affected with Sandhoff Disease and no experimental evidence demonstrating its impact on protein function have been reported. One clinical diagnostic laboratory has submitted clinical-significance assessments for this variant to ClinVar after 2014 without evidence for independent evaluation and classified the variant as likely pathogenic. Based on the evidence outlined above, the variant was classified as likely pathogenic.

Labcorp Genetics (formerly Invitae), Labcorp
Classification: Likely pathogenic for Sandhoff disease. Last evaluated: 2021-01-26. Review status: criteria provided, single submitter. Criteria: Invitae Variant Classification Sherloc (09022015). Collection method: clinical testing. Allele origin: germline.
Comment: Algorithms developed to predict the effect of sequence changes on RNA splicing suggest that this variant may disrupt the consensus splice site, but this prediction has not been confirmed by published transcriptional studies. In summary, the currently available evidence indicates that the variant is pathogenic, but additional data are needed to prove that conclusively. Therefore, this variant has been classified as Likely Pathogenic. This variant has not been reported in the literature in individuals with HEXB-related conditions. This variant is present in population databases (rs758459585, ExAC 0.003%). This sequence change affects a donor splice site in intron 12 of the HEXB gene. It is expected to disrupt RNA splicing. Variants that disrupt the donor or acceptor splice site typically lead to a loss of protein function (PMID: 16199547), and loss-of-function variants in HEXB are known to be pathogenic (PMID: 7550345, 18758829).

Literature cited by the submitters: PubMed 16199547 (cited by Labcorp Genetics (formerly Invitae), Labcorp); PubMed 7550345 (cited by Labcorp Genetics (formerly Invitae), Labcorp); PubMed 18758829 (cited by Labcorp Genetics (formerly Invitae), Labcorp).